The following is an entry in ClinVar:

ClinVar aggregate classification (germline): Pathogenic (1 of 4 stars; one submission).

Conditions:
Multiple endocrine neoplasia, type 1 (MEN1). Also called: MEN I; WERMER SYNDROME; Endocrine adenomatosis multiple; MEN 1; MEA I. Identifiers: Orphanet 652, MedGen C0025267, MeSH D018761, MONDO:0007540, OMIM 131100.

Submission:

Labcorp Genetics (formerly Invitae), Labcorp
Classification: Pathogenic for Multiple endocrine neoplasia, type 1. Last evaluated: 2023-04-26. Review status: criteria provided, single submitter. Criteria: Invitae Variant Classification Sherloc (09022015). Collection method: clinical testing. Allele origin: germline.
Comment: Variants that disrupt the consensus splice site are a relatively common cause of aberrant splicing (PMID: 17576681, 9536098). Algorithms developed to predict the effect of sequence changes on RNA splicing suggest that this variant may disrupt the consensus splice site. This sequence change affects an acceptor splice site in intron 9 of the MEN1 gene. While this variant is not anticipated to result in nonsense mediated decay, it likely alters RNA splicing and results in a disrupted protein product. This variant is not present in population databases (gnomAD no frequency). Disruption of this splice site has been observed in individuals with Multiple endocrine neoplasia type 1 (PMID: 10617276; Invitae). ClinVar contains an entry for this variant (Variation ID: 1076266). Algorithms developed to predict the effect of variants on protein structure and function are not available or were not evaluated for this variant. Experimental studies have shown that disruption of this splice site affects MEN1 function (PMID: 17185897). For these reasons, this variant has been classified as Pathogenic.

Literature cited by the submitters: PubMed 17576681; PubMed 9536098; PubMed 10617276; PubMed 17185897.

NM_001370259.2(MEN1):c.1351-1G>T

Gene: MEN1 (menin 1; minus strand). Cytogenetic location: 11q13.1.
Variant type: single nucleotide variant.
Coding change: c.1351-1G>T on transcript NM_001370259.2 (MANE Select); the canonical splice acceptor site of the intron before coding-DNA position 1351, G replaced by T.
Molecular consequence: splice acceptor variant.
Genome position (GRCh38, 1-based): chr11:64,804,817, C>A on the plus strand (G>T on the coding strand, the complement: MEN1 is on the minus strand). VCF-style: chr11-64804817-C-A. GRCh37 (hg19) VCF-style: chr11-64572289-C-A.
Other names: c.1366-1G>T (NM_130804.3, NM_130803.3, NM_000244.4 and 4 more transcripts); c.1246-1G>T (NM_001407148.1, NM_001407149.1, NM_001370263.2 and 1 more transcripts); c.1351-1G>T (NM_130799.3, NM_001370260.2, NM_001407146.1 and 2 more transcripts); c.1477-1G>T (NM_001407144.1, NM_001370251.2, NM_001407142.1 and 1 more transcripts); c.1372-1G>T (NM_001407151.1); c.1186-1G>T (NM_001407152.1); c.1492-1G>T (NM_001407150.1).
Identifiers: ClinVar variation 1076266 (VCV001076266.7), dbSNP rs794728629, ClinGen allele CA381179951.
Genomic context (GRCh38, chr11:64,804,817, plus strand): 5'-CGGCTCCTCGGCCTCGGCCGCCTCGGCCTCTCGGCTCACTATGCGCACCTTCTGCCGCAC[C>A]TGGGCCAGTGGGGAGAGCAAGGTGAGAGCAAGGTTGCCGGCCAGTGGCTGGAACTCCAGG-3'